The following is an entry in ClinVar:

ClinVar aggregate classification (germline): Uncertain significance. Review status: criteria provided, multiple submitters, no conflicts (2 of 4 stars). 2 submissions from 2 submitters: Uncertain significance (2). Last evaluated 2026-08-12.

Conditions:
Inborn genetic diseases. Identifiers: MedGen C0950123, MeSH D030342.

Allele frequency attached by ClinVar (database versions not stated): gnomAD 0.00001; gnomAD exomes 0.00001; TOPMed below 0.00001.
gnomAD v4.1: 6 of 1,613,762 alleles (0.00037%); highest among the groups gnomAD compares: Admixed American, 0.0017%; no homozygotes.

Submissions (2):

Ambry Genetics
Classification: Uncertain significance for Inborn genetic diseases. Last evaluated: 2026-08-12. Review status: criteria provided, single submitter. Criteria: Ambry Variant Classification Scheme 2023. Collection method: clinical testing. Allele origin: germline.

Labcorp Genetics (formerly Invitae), Labcorp
Classification: Uncertain significance. Last evaluated: 2022-04-12. Review status: criteria provided, single submitter. Criteria: Invitae Variant Classification Sherloc (09022015). Collection method: clinical testing. Allele origin: germline.
Comment: This variant is not present in population databases (gnomAD no frequency). This sequence change replaces leucine, which is neutral and non-polar, with phenylalanine, which is neutral and non-polar, at codon 1973 of the RTTN protein (p.Leu1973Phe). This variant has not been reported in the literature in individuals affected with RTTN-related conditions. In summary, the available evidence is currently insufficient to determine the role of this variant in disease. Therefore, it has been classified as a Variant of Uncertain Significance. Algorithms developed to predict the effect of missense changes on protein structure and function are either unavailable or do not agree on the potential impact of this missense change (SIFT: "Deleterious"; PolyPhen-2: "Probably Damaging"; Align-GVGD: "Class C0").

NM_173630.4(RTTN):c.5917C>T (p.Leu1973Phe)

Gene: RTTN (rotatin; minus strand). Cytogenetic location: 18q22.2.
Variant type: single nucleotide variant.
Coding change: c.5917C>T on transcript NM_173630.4 (MANE Select); coding-DNA position 5917, C replaced by T.
Protein change: p.Leu1973Phe; replaces leucine 1973 with phenylalanine.
Molecular consequence: missense variant.
Genome position (GRCh38, 1-based): chr18:70,024,755, G>A on the plus strand (C>T on the coding strand, the complement: RTTN is on the minus strand). VCF-style: chr18-70024755-G-A. GRCh37 (hg19) VCF-style: chr18-67691991-G-A.
Other names: c.3181C>T, p.Leu1061Phe (NM_001318520.2); c.5917C>T (NM_173630.3); short protein forms L1973F, L1061F.
Identifiers: ClinVar variation 1976274 (VCV001976274.5), dbSNP rs1029610414, ClinGen allele CA301924046.